The following is an entry in ClinVar:

NM_001378457.1(DMXL2):c.2029C>T (p.Pro677Ser)

Gene: DMXL2 (Dmx like 2; minus strand). Cytogenetic location: 15q21.2.
Variant type: single nucleotide variant.
Coding change: c.2029C>T on transcript NM_001378457.1 (MANE Select); coding-DNA position 2029, C replaced by T.
Protein change: p.Pro677Ser; replaces proline 677 with serine.
Molecular consequence: missense variant. On other transcripts: non-coding transcript variant (2).
Genome position (GRCh38, 1-based): chr15:51,536,451, G>A on the plus strand (C>T on the coding strand, the complement: DMXL2 is on the minus strand). VCF-style: chr15-51536451-G-A. GRCh37 (hg19) VCF-style: chr15-51828648-G-A.
Other names: c.2029C>T, p.Pro677Ser (NM_001174116.3, NM_001174117.3, NM_001378458.1 and 6 more transcripts); c.1789C>T, p.Pro597Ser (NM_001378464.1); short protein forms P597S, P677S.
Identifiers: ClinVar variation 2416533 (VCV002416533.6), dbSNP rs748193528, ClinGen allele CA7562469.

ClinVar aggregate classification (germline): Uncertain significance (1 of 4 stars; one submission).

Allele frequency attached by ClinVar (database versions not stated): TOPMed below 0.00001; ExAC 0.00001; gnomAD exomes 0.00001.
gnomAD v4.1: 13 of 1,613,992 alleles (0.00081%); highest among the groups gnomAD compares: South Asian, 0.014%; no homozygotes.

Submission:

Labcorp Genetics (formerly Invitae), Labcorp
Classification: Uncertain significance. Last evaluated: 2023-08-10. Review status: criteria provided, single submitter. Criteria: Invitae Variant Classification Sherloc (09022015). Collection method: clinical testing. Allele origin: germline.
Comment: In summary, the available evidence is currently insufficient to determine the role of this variant in disease. Therefore, it has been classified as a Variant of Uncertain Significance. An algorithm developed to predict the effect of missense changes on protein structure and function (PolyPhen-2) suggests that this variant is likely to be disruptive. ClinVar contains an entry for this variant (Variation ID: 2416533). This variant has not been reported in the literature in individuals affected with DMXL2-related conditions. This variant is present in population databases (rs748193528, gnomAD 0.02%). This sequence change replaces proline, which is neutral and non-polar, with serine, which is neutral and polar, at codon 677 of the DMXL2 protein (p.Pro677Ser).